The following is an entry in ClinVar:

NM_003442.6(ZNF143):c.1547T>C (p.Met516Thr)

Gene: ZNF143 (zinc finger protein 143; plus strand). Cytogenetic location: 11p15.4.
Variant type: single nucleotide variant.
Coding change: c.1547T>C on transcript NM_003442.6 (MANE Select); coding-DNA position 1547, T replaced by C.
Protein change: p.Met516Thr; replaces methionine 516 with threonine.
Molecular consequence: missense variant.
Genome position (GRCh38, 1-based): chr11:9,516,223, T>C. VCF-style: chr11-9516223-T-C. GRCh37 (hg19) VCF-style: chr11-9537770-T-C.
Other names: c.1544T>C, p.Met515Thr (NM_001282656.2); c.1454T>C, p.Met485Thr (NM_001282657.2); short protein forms M515T, M485T, M516T.
Identifiers: ClinVar variation 2538278 (VCV002538278.5), dbSNP rs750465934, ClinGen allele CA5879670.

ClinVar aggregate classification (germline): Uncertain significance. Review status: criteria provided, multiple submitters, no conflicts (2 of 4 stars). 2 submissions from 2 submitters: Uncertain significance (2). Last evaluated 2025-11-10.

Allele frequency attached by ClinVar (database versions not stated): gnomAD 0.00001.
gnomAD v4.1: 5 of 1,613,938 alleles (0.00031%); highest among the groups gnomAD compares: South Asian, 0.0022%; no homozygotes.

Submissions (2):

Labcorp Genetics (formerly Invitae), Labcorp
Classification: Uncertain significance. Last evaluated: 2025-11-10. Review status: criteria provided, single submitter. Criteria: Invitae Variant Classification Sherloc (09022015). Collection method: clinical testing. Allele origin: germline.
Comment: This sequence change replaces methionine, which is neutral and non-polar, with threonine, which is neutral and polar, at codon 516 of the ZNF143 protein (p.Met516Thr). This variant is present in population databases (rs750465934, gnomAD 0.007%). This variant has not been reported in the literature in individuals affected with ZNF143-related conditions. ClinVar contains an entry for this variant (Variation ID: 2538278). An algorithm developed to predict the effect of missense changes on protein structure and function (PolyPhen-2) suggests that this variant is likely to be tolerated. In summary, the available evidence is currently insufficient to determine the role of this variant in disease. Therefore, it has been classified as a Variant of Uncertain Significance.

Ambry Genetics
Classification: Uncertain significance. Last evaluated: 2023-04-18. Review status: criteria provided, single submitter. Criteria: Ambry Variant Classification Scheme 2023. Collection method: clinical testing. Allele origin: germline.